The following is an entry in ClinVar:

NM_005518.4(HMGCS2):c.349A>G (p.Ile117Val)

Gene: HMGCS2 (3-hydroxy-3-methylglutaryl-CoA synthase 2; minus strand). Cytogenetic location: 1p12.
Variant type: single nucleotide variant.
Coding change: c.349A>G on transcript NM_005518.4 (MANE Select); coding-DNA position 349, A replaced by G.
Protein change: p.Ile117Val; replaces isoleucine 117 with valine.
Molecular consequence: missense variant.
Genome position (GRCh38, 1-based): chr1:119,764,382, T>C on the plus strand (A>G on the coding strand, the complement: HMGCS2 is on the minus strand). VCF-style: chr1-119764382-T-C. GRCh37 (hg19) VCF-style: chr1-120307005-T-C.
Other names: c.349A>G, p.Ile117Val (NM_001166107.1); short protein forms I117V.
Identifiers: ClinVar variation 3628266 (VCV003628266.2).
Genomic context (GRCh38, chr1:119,764,382, plus strand): 5'-TGTCAATGATGGTCTCAGTGCCTACTTCCAGCCTGCCCACAGAGTCCCATGGGAGCTGTA[T>C]GCGCTCCATCAGCCGTTGCACCACCGTCAGGCACAGGGAGTTGATGTCCTCTTGGACTGA-3'
Protein context (NP_005509.1, residues 107-127): LTVVQRLMER[Ile117Val]QLPWDSVGRL

ClinVar aggregate classification (germline): Uncertain significance (1 of 4 stars; one submission).

Conditions:
3-hydroxy-3-methylglutaryl-CoA synthase deficiency (HMGCS2D). Also called: MITOCHONDRIAL HMG-CoA SYNTHASE DEFICIENCY; HMGCS2 DEFICIENCY; HMG-CoA synthase-2 deficiency. Identifiers: Orphanet 35701, MedGen C2751532, MONDO:0011614, OMIM 605911.

gnomAD v4.1: 1 of 1,614,126 alleles (0.000062%); highest among the groups gnomAD compares: Non-Finnish European, 0.000085%; no homozygotes.

Submission:

Labcorp Genetics (formerly Invitae), Labcorp
Classification: Uncertain significance for 3-hydroxy-3-methylglutaryl-CoA synthase deficiency. Last evaluated: 2024-09-18. Review status: criteria provided, single submitter. Criteria: Invitae Variant Classification Sherloc (09022015). Collection method: clinical testing. Allele origin: germline.
Comment: This sequence change replaces isoleucine, which is neutral and non-polar, with valine, which is neutral and non-polar, at codon 117 of the HMGCS2 protein (p.Ile117Val). This variant is not present in population databases (gnomAD no frequency). This variant has not been reported in the literature in individuals affected with HMGCS2-related conditions. Invitae Evidence Modeling of protein sequence and biophysical properties (such as structural, functional, and spatial information, amino acid conservation, physicochemical variation, residue mobility, and thermodynamic stability) indicates that this missense variant is not expected to disrupt HMGCS2 protein function with a negative predictive value of 80%. In summary, the available evidence is currently insufficient to determine the role of this variant in disease. Therefore, it has been classified as a Variant of Uncertain Significance.